The following is an entry in ClinVar:

ClinVar aggregate classification (germline): Pathogenic (1 of 4 stars; one submission).

Submission:

Labcorp Genetics (formerly Invitae), Labcorp
Classification: Pathogenic. Last evaluated: 2025-02-24. Review status: criteria provided, single submitter. Criteria: Invitae Variant Classification Sherloc (09022015). Collection method: clinical testing. Allele origin: germline.
Comment: This sequence change creates a premature translational stop signal (p.Gln450Argfs*34) in the TOP3A gene. It is expected to result in an absent or disrupted protein product. Loss-of-function variants in TOP3A are known to be pathogenic (PMID: 30057030). This variant is present in population databases (no rsID available, gnomAD 0.006%). This variant has not been reported in the literature in individuals affected with TOP3A-related conditions. For these reasons, this variant has been classified as Pathogenic.

Literature cited by the submitters: PubMed 30057030.

NM_004618.5(TOP3A):c.1349_1350del (p.Gln450fs)

Gene: TOP3A (DNA topoisomerase III alpha; minus strand). Cytogenetic location: 17p11.2.
Variant type: Deletion.
Coding change: c.1349_1350del on transcript NM_004618.5 (MANE Select); coding-DNA positions 1349 to 1350, 2 bases deleted (AG; older notation c.1349_1350delAG).
Protein change: p.Gln450fs; shifts the reading frame from glutamine 450.
Molecular consequence: frameshift variant.
Genome position (GRCh38, 1-based): chr17:18,290,959-18,290,960, CT deleted on the plus strand (AG on the coding strand, the reverse complement: TOP3A is on the minus strand). VCF-style (leftmost placement, unchanged base first): chr17-18290958-CCT-C. GRCh37 (hg19) VCF-style: chr17-18194272-CCT-C.
Other names: c.1064_1065del, p.Gln355fs (NM_001320759.2); short protein forms Q355fs, Q450fs.
Identifiers: ClinVar variation 4799989 (VCV004799989.1).